The following is an entry in ClinVar:

ClinVar aggregate classification (germline): Likely pathogenic (1 of 4 stars; one submission).

Conditions:
Cystinosis. Also called: Cystine diathesis; Cystine storage disease; Cystinoses. Identifiers: Orphanet 213, MedGen C4316899, MONDO:0016239.

Submission:

Natera, Inc.
Classification: Likely pathogenic for Cystinosis. Last evaluated: 2024-04-19. Review status: criteria provided, single submitter. Criteria: Natera Variant Classification Schema (03/2026). Collection method: clinical testing. Allele origin: germline.
Comment: The c.970+1G>C variant in CTNS is a canonical splice donor site variant predicted to affect pre-mRNA splicing, which may result in an abnormal transcript and altered protein product. This variant is expected to result in nonsense mediated decay, truncation, or a dysfunctional protein product. This variant is rare in the general population with a frequency below the threshold expected for the associated phenotype(s). Given the available evidence, this variant is classified as Likely Pathogenic.

NM_004937.3(CTNS):c.970+1G>C

Gene: CTNS (cystinosin, lysosomal cystine transporter; plus strand). Cytogenetic location: 17p13.2.
Variant type: single nucleotide variant.
Coding change: c.970+1G>C on transcript NM_004937.3 (MANE Select); the canonical splice donor site of the intron after coding-DNA position 970, G replaced by C.
Molecular consequence: splice donor variant.
Genome position (GRCh38, 1-based): chr17:3,659,976, G>C. VCF-style: chr17-3659976-G-C. GRCh37 (hg19) VCF-style: chr17-3563270-G-C.
Other names: c.970+1G>C (NM_001031681.3, NM_001374492.1); c.529+1G>C (NM_001374493.1, NM_001374495.1, NM_001374494.1 and 1 more transcripts).
Identifiers: ClinVar variation 4815403 (VCV004815403.1).